The following is an entry in ClinVar:

NM_004360.5(CDH1):c.2578G>T (p.Asp860Tyr)

Gene: CDH1 (cadherin 1; plus strand). Cytogenetic location: 16q22.1.
Variant type: single nucleotide variant.
Coding change: c.2578G>T on transcript NM_004360.5 (MANE Select); coding-DNA position 2578, G replaced by T.
Protein change: p.Asp860Tyr; replaces aspartic acid 860 with tyrosine.
Molecular consequence: missense variant.
Genome position (GRCh38, 1-based): chr16:68,833,428, G>T. VCF-style: chr16-68833428-G-T. GRCh37 (hg19) VCF-style: chr16-68867331-G-T.
Other names: c.2578G>T (LRG_301t1); c.2395G>T, p.Asp799Tyr (NM_001317184.2); c.1030G>T, p.Asp344Tyr (NM_001317185.2); c.613G>T, p.Asp205Tyr (NM_001317186.2); short protein forms D860Y, D344Y, D205Y, D799Y.
Identifiers: ClinVar variation 463771 (VCV000463771.18), dbSNP rs1412506259, ClinGen allele CA396472540.

ClinVar aggregate classification (germline): Uncertain significance. Review status: criteria provided, multiple submitters, no conflicts (2 of 4 stars). 4 submissions from 4 submitters: Uncertain significance (4). Last evaluated 2025-07-15.

Conditions:
CDH1-related diffuse gastric and lobular breast cancer syndrome. Also called: CDH1-related diffuse gastric and lobular breast cancer. Identifiers: MedGen CN311521, MONDO:0100488.
Hereditary cancer-predisposing syndrome. Also called: Hereditary neoplastic syndrome; Neoplastic Syndromes, Hereditary; Tumor predisposition; Hereditary Cancer Syndrome. Identifiers: Orphanet 140162, MedGen C0027672, MeSH D009386, MONDO:0015356.
Hereditary diffuse gastric adenocarcinoma (HDGC). Also called: DIFFUSE GASTRIC AND LOBULAR BREAST CANCER SYNDROME. Identifiers: Orphanet 26106, MedGen C1708349, MONDO:0007648, OMIM 137215.

Allele frequency attached by ClinVar (database versions not stated): TOPMed below 0.00001; gnomAD 0.00001.

Submissions (4):

Department of Clinical Genetics, Copenhagen University Hospital, Rigshospitalet
Classification: Uncertain significance for CDH1-related diffuse gastric and lobular breast cancer syndrome. Last evaluated: 2025-07-15. Review status: criteria provided, single submitter. Criteria: ACMG Guidelines, 2015. Collection method: clinical testing. Allele origin: germline.
Comment: The following ACMG criteria has been used: PM2_SUP

Center for Genomic Medicine, Rigshospitalet, Copenhagen University Hospital
Classification: Uncertain significance. Last evaluated: 2025-03-04. Review status: criteria provided, single submitter. Criteria: ACMG Guidelines, 2015. Collection method: clinical testing. Allele origin: germline.

Ambry Genetics
Classification: Uncertain significance for Hereditary cancer-predisposing syndrome. Last evaluated: 2022-08-07. Review status: criteria provided, single submitter. Criteria: Ambry Variant Classification Scheme 2023. Collection method: clinical testing. Allele origin: germline.
Comment: The p.D860Y variant (also known as c.2578G>T), located in coding exon 16 of the CDH1 gene, results from a G to T substitution at nucleotide position 2578. The aspartic acid at codon 860 is replaced by tyrosine, an amino acid with highly dissimilar properties. This amino acid position is conserved. In addition, this alteration is predicted to be deleterious by in silico analysis. Since supporting evidence is limited at this time, the clinical significance of this alteration remains unclear.

Labcorp Genetics (formerly Invitae), Labcorp
Classification: Uncertain significance for Hereditary diffuse gastric adenocarcinoma. Last evaluated: 2018-05-02. Review status: criteria provided, single submitter. Criteria: Invitae Variant Classification Sherloc (09022015). Collection method: clinical testing. Allele origin: germline.
Comment: In summary, the available evidence is currently insufficient to determine the role of this variant in disease. Therefore, it has been classified as a Variant of Uncertain Significance. Algorithms developed to predict the effect of missense changes on protein structure and function do not agree on the potential impact of this missense change (SIFT: "Deleterious"; PolyPhen-2: "Probably Damaging"; Align-GVGD: "Class C0"). This variant has not been reported in the literature in individuals with CDH1-related disease. ClinVar contains an entry for this variant (Variation ID: 463771). This variant is not present in population databases (ExAC no frequency). This sequence change replaces aspartic acid with tyrosine at codon 860 of the CDH1 protein (p.Asp860Tyr). The aspartic acid residue is highly conserved and there is a large physicochemical difference between aspartic acid and tyrosine.